The following is an entry in ClinVar:

NM_198968.4(DZIP1):c.677C>G (p.Ser226Cys)

Gene: DZIP1 (DAZ interacting zinc finger protein 1; minus strand). Cytogenetic location: 13q32.1.
Variant type: single nucleotide variant.
Coding change: c.677C>G on transcript NM_198968.4 (MANE Select); coding-DNA position 677, C replaced by G.
Protein change: p.Ser226Cys; replaces serine 226 with cysteine.
Molecular consequence: missense variant.
Genome position (GRCh38, 1-based): chr13:95,633,242, G>C on the plus strand (C>G on the coding strand, the complement: DZIP1 is on the minus strand). VCF-style: chr13-95633242-G-C. GRCh37 (hg19) VCF-style: chr13-96285496-G-C.
Other names: c.677C>G, p.Ser226Cys (NM_014934.5); short protein forms S226C.
Identifiers: ClinVar variation 4981415 (VCV004981415.1).

ClinVar aggregate classification (germline): Likely benign (1 of 4 stars; one submission).

Conditions:
DZIP1-related disorder. Also called: DZIP1-related condition.

gnomAD v4.1: 177 of 1,614,040 alleles (0.011%); highest among the groups gnomAD compares: South Asian, 0.18%; 1 homozygote.

Submission:

PreventionGenetics, part of Exact Sciences
Classification: Likely benign for DZIP1-related condition. Last evaluated: 2026-06-28. Review status: criteria provided, single submitter. Criteria: ACMG Guidelines, 2015. Collection method: clinical testing. Allele origin: germline.
Comment: This variant is classified as likely benign based on ACMG/AMP sequence variant interpretation guidelines (Richards et al. 2015 PMID: 25741868, with internal and published modifications).